The following is an entry in ClinVar:

ClinVar aggregate classification (germline): Uncertain significance (1 of 4 stars; one submission).

Conditions:
Ataxia-telangiectasia syndrome (AT). Also called: LOUIS-BAR SYNDROME; Cerebello-oculocutaneous telangiectasia; Immunodeficiency with ataxia telangiectasia; Ataxia-telangiectasia, complementation group D; AT, COMPLEMENTATION GROUP C; ATAXIA-TELANGIECTASIA, COMPLEMENTATION GROUP A. Identifiers: Orphanet 100, MedGen C0004135, MONDO:0008840, OMIM 208900.

gnomAD v4.1: 2 of 1,614,210 alleles (0.00012%); highest among the groups gnomAD compares: Non-Finnish European, 0.00017%; no homozygotes.

Submission:

Labcorp Genetics (formerly Invitae), Labcorp
Classification: Uncertain significance for Ataxia-telangiectasia syndrome. Last evaluated: 2025-09-03. Review status: criteria provided, single submitter. Criteria: Invitae Variant Classification Sherloc (09022015). Collection method: clinical testing. Allele origin: germline.
Comment: This sequence change replaces leucine, which is neutral and non-polar, with valine, which is neutral and non-polar, at codon 2463 of the ATM protein (p.Leu2463Val). This variant is present in population databases (rs781255503, gnomAD 0.0009%). This variant has not been reported in the literature in individuals affected with ATM-related conditions. Invitae Evidence Modeling of protein sequence and biophysical properties (such as structural, functional, and spatial information, amino acid conservation, physicochemical variation, residue mobility, and thermodynamic stability) indicates that this missense variant is not expected to disrupt ATM protein function with a negative predictive value of 95%. In summary, the available evidence is currently insufficient to determine the role of this variant in disease. Therefore, it has been classified as a Variant of Uncertain Significance.

NM_000051.4(ATM):c.7387T>G (p.Leu2463Val)

Genes: ATM (ATM serine/threonine kinase; plus strand), C11orf65 (chromosome 11 open reading frame 65; minus strand). Cytogenetic location: 11q22.3.
Variant type: single nucleotide variant.
Coding change: c.7387T>G on transcript NM_000051.4 (MANE Select); coding-DNA position 7387, T replaced by G.
Protein change: p.Leu2463Val; replaces leucine 2463 with valine.
Molecular consequence: missense variant. On other transcripts: intron variant (2).
Genome position (GRCh38, 1-based): chr11:108,330,293, T>G. VCF-style: chr11-108330293-T-G. GRCh37 (hg19) VCF-style: chr11-108201020-T-G.
Other names: c.7387T>G, p.Leu2463Val (NM_001351834.2); c.641-21222A>C (NM_001330368.2); c.*38+4927A>C (NM_001351110.2); short protein forms L2463V.
Identifiers: ClinVar variation 4747258 (VCV004747258.1).